The following is an entry in ClinVar:

ClinVar aggregate classification (germline): Uncertain significance (1 of 4 stars; one submission).

Conditions:
Hajdu-Cheney syndrome (HJCYS). Also called: Acroosteolysis dominant type; ACROOSTEOLYSIS WITH OSTEOPOROSIS AND CHANGES IN SKULL AND MANDIBLE; SERPENTINE FIBULA-POLYCYSTIC KIDNEY SYNDROME. Identifiers: Orphanet 955, MedGen C0917715, MONDO:0007057, OMIM 102500.

gnomAD v4.1: 2 of 1,614,178 alleles (0.00012%); highest among the groups gnomAD compares: South Asian, 0.0022%; no homozygotes.

Submission:

Labcorp Genetics (formerly Invitae), Labcorp
Classification: Uncertain significance for Hajdu-Cheney syndrome. Last evaluated: 2024-01-09. Review status: criteria provided, single submitter. Criteria: Invitae Variant Classification Sherloc (09022015). Collection method: clinical testing. Allele origin: germline.
Comment: This sequence change replaces glycine, which is neutral and non-polar, with glutamic acid, which is acidic and polar, at codon 2446 of the NOTCH2 protein (p.Gly2446Glu). This variant is present in population databases (rs375049462, gnomAD 0.006%). This variant has not been reported in the literature in individuals affected with NOTCH2-related conditions. Advanced modeling of protein sequence and biophysical properties (such as structural, functional, and spatial information, amino acid conservation, physicochemical variation, residue mobility, and thermodynamic stability) performed at Invitae indicates that this missense variant is not expected to disrupt NOTCH2 protein function with a negative predictive value of 80%. In summary, the available evidence is currently insufficient to determine the role of this variant in disease. Therefore, it has been classified as a Variant of Uncertain Significance.

NM_024408.4(NOTCH2):c.7337G>A (p.Gly2446Glu)

Gene: NOTCH2 (notch receptor 2; minus strand). Cytogenetic location: 1p12.
Variant type: single nucleotide variant.
Coding change: c.7337G>A on transcript NM_024408.4 (MANE Select); coding-DNA position 7337, G replaced by A.
Protein change: p.Gly2446Glu; replaces glycine 2446 with glutamic acid.
Molecular consequence: missense variant.
Genome position (GRCh38, 1-based): chr1:119,915,385, C>T on the plus strand (G>A on the coding strand, the complement: NOTCH2 is on the minus strand). VCF-style: chr1-119915385-C-T. GRCh37 (hg19) VCF-style: chr1-120458008-C-T.
Other names: short protein forms G2446E.
Identifiers: ClinVar variation 2880131 (VCV002880131.3), dbSNP rs375049462, ClinGen allele CA1039287.